The following is an entry in ClinVar:

ClinVar aggregate classification (germline): Uncertain significance (1 of 4 stars; one submission).

Conditions:
Cardiovascular phenotype. Identifiers: MedGen CN230736.

Submission:

Ambry Genetics
Classification: Uncertain significance for Cardiovascular phenotype. Last evaluated: 2023-10-26. Review status: criteria provided, single submitter. Criteria: Ambry Variant Classification Scheme 2023. Collection method: clinical testing. Allele origin: germline.
Comment: The p.V182I variant (also known as c.544G>A), located in coding exon 2 of the NKX2-5 gene, results from a G to A substitution at nucleotide position 544. The valine at codon 182 is replaced by isoleucine, an amino acid with highly similar properties. This amino acid position is highly conserved in available vertebrate species. In addition, the in silico prediction for this alteration is inconclusive. Since supporting evidence is limited at this time, the clinical significance of this alteration remains unclear.

NM_004387.4(NKX2-5):c.544G>A (p.Val182Ile)

Gene: NKX2-5 (NK2 homeobox 5; minus strand). Cytogenetic location: 5q35.1.
Variant type: single nucleotide variant.
Coding change: c.544G>A on transcript NM_004387.4 (MANE Select); coding-DNA position 544, G replaced by A.
Protein change: p.Val182Ile; replaces valine 182 with isoleucine.
Molecular consequence: missense variant. On other transcripts: 3 prime UTR variant (2).
Genome position (GRCh38, 1-based): chr5:173,233,000, C>T on the plus strand (G>A on the coding strand, the complement: NKX2-5 is on the minus strand). VCF-style: chr5-173233000-C-T. GRCh37 (hg19) VCF-style: chr5-172660003-C-T.
Other names: c.*497G>A (NM_001166175.2); c.*343G>A (NM_001166176.2); short protein forms V182I.
Identifiers: ClinVar variation 3224202 (VCV003224202.1), dbSNP rs1384912539, ClinGen allele CA362161649.